The following is an entry in ClinVar:

ClinVar aggregate classification (germline): Conflicting classifications of pathogenicity. Review status: criteria provided, conflicting classifications (1 of 4 stars). 3 submissions from 3 submitters: Uncertain significance (2); Likely benign (1). Last evaluated 2026-06-22.

Conditions:
RASopathy. Also called: rasopathies; Noonan spectrum disorder. Identifiers: Orphanet 536391, MedGen C5555857, MONDO:0021060.

Allele frequency attached by ClinVar (database versions not stated): gnomAD exomes below 0.00001 and 0.00001; ExAC 0.00002.
gnomAD v4.1: 3 of 1,611,290 alleles (0.00019%); highest among the groups gnomAD compares: Middle Eastern, 0.017%; no homozygotes.

Submissions (3):

Women's Health and Genetics/Laboratory Corporation of America, LabCorp
Classification: Uncertain significance. Last evaluated: 2026-06-22. Review status: criteria provided, single submitter. Criteria: LabCorp Variant Classification Summary - May 2015. Collection method: clinical testing. Allele origin: germline.
Comment: Variant summary: SOS1 c.1532A>G (p.Lys511Arg) results in a conservative amino acid change in the encoded protein sequence. Algorithms developed to predict the effect of missense changes on protein structure and function are either unavailable or do not agree on the potential impact of this missense change. The variant allele was found at a frequency of 8e-06 in 249588 control chromosomes. The available data on variant occurrences in the general population are insufficient to allow any conclusion about variant significance. To our knowledge, no occurrence of c.1532A>G in individuals affected with SOS1-related conditions and no experimental evidence demonstrating its impact on protein function have been reported. ClinVar contains an entry for this variant (Variation ID: 636676). Based on the evidence outlined above, the variant was classified as uncertain significance.

Labcorp Genetics (formerly Invitae), Labcorp
Classification: Likely benign for RASopathy. Last evaluated: 2025-11-17. Review status: criteria provided, single submitter. Criteria: Invitae Variant Classification Sherloc (09022015). Collection method: clinical testing. Allele origin: germline.

Blueprint Genetics
Classification: Uncertain significance. Last evaluated: 2020-02-28. Review status: criteria provided, single submitter. Criteria: ACMG Guidelines, 2015. Collection method: clinical testing. Allele origin: germline.

NM_005633.4(SOS1):c.1532A>G (p.Lys511Arg)

Gene: SOS1 (SOS Ras/Rac guanine nucleotide exchange factor 1; minus strand). Cytogenetic location: 2p22.1.
Variant type: single nucleotide variant.
Coding change: c.1532A>G on transcript NM_005633.4 (MANE Select); coding-DNA position 1532, A replaced by G.
Protein change: p.Lys511Arg; replaces lysine 511 with arginine.
Molecular consequence: missense variant.
Genome position (GRCh38, 1-based): chr2:39,022,896, T>C on the plus strand (A>G on the coding strand, the complement: SOS1 is on the minus strand). VCF-style: chr2-39022896-T-C. GRCh37 (hg19) VCF-style: chr2-39250037-T-C.
Other names: c.1511A>G, p.Lys504Arg (NM_001382394.1); c.1532A>G, p.Lys511Arg (NM_001382395.1); short protein forms K511R, K504R.
Identifiers: ClinVar variation 636676 (VCV000636676.6), dbSNP rs758393921, ClinGen allele CA1624588.